The following is an entry in ClinVar:

ClinVar aggregate classification (germline): Pathogenic (1 of 4 stars; one submission).

Submission:

Labcorp Genetics (formerly Invitae), Labcorp
Classification: Pathogenic. Last evaluated: 2024-06-11. Review status: criteria provided, single submitter. Criteria: Invitae Variant Classification Sherloc (09022015). Collection method: clinical testing. Allele origin: germline.
Comment: This sequence change creates a premature translational stop signal (p.Cys1615Alafs*3) in the HSPG2 gene. It is expected to result in an absent or disrupted protein product. Loss-of-function variants in HSPG2 are known to be pathogenic (PMID: 11279527, 16927315, 20542149, 23836246). This variant is not present in population databases (gnomAD no frequency). This variant has not been reported in the literature in individuals affected with HSPG2-related conditions. For these reasons, this variant has been classified as Pathogenic.

Literature cited by the submitters: PubMed 11279527; PubMed 16927315; PubMed 20542149; PubMed 23836246.

NM_005529.7(HSPG2):c.4842del (p.Cys1615fs)

Gene: HSPG2 (heparan sulfate proteoglycan 2; minus strand). Cytogenetic location: 1p36.12.
Variant type: Deletion.
Coding change: c.4842del on transcript NM_005529.7 (MANE Select); coding-DNA position 4842, one base deleted (C; older notation c.4842delC).
Protein change: p.Cys1615fs; shifts the reading frame from cysteine 1615.
Molecular consequence: frameshift variant.
Genome position (GRCh38, 1-based): chr1:21,862,014, G deleted on the plus strand (C on the coding strand, the reverse complement: HSPG2 is on the minus strand); the first of 2 consecutive G bases (chr1:21,862,014-21,862,015); deleting either gives the same sequence. VCF-style (leftmost placement, unchanged base first): chr1-21862013-AG-A. GRCh37 (hg19) VCF-style: chr1-22188506-AG-A.
Other names: c.4845del, p.Cys1616fs (NM_001291860.2); short protein forms C1615fs, C1616fs.
Identifiers: ClinVar variation 3656261 (VCV003656261.2).